The following is an entry in ClinVar:

ClinVar aggregate classification (germline): Conflicting classifications of pathogenicity. Review status: criteria provided, conflicting classifications (1 of 4 stars). 2 submissions from 2 submitters: Likely pathogenic (1); Uncertain significance (1). Last evaluated 2024-04-10.

Conditions:
Glomerulopathy with fibronectin deposits 2 (GFND2). Identifiers: Orphanet 84090, MedGen C1866075, MONDO:0011165, OMIM 601894.
Spondylometaphyseal dysplasia - Sutcliffe type. Also called: Sutcliffe type of spondylometaphyseal dysplasia; Sutcliffe SMD; Spondylometaphyseal Dysplasia, Corner Fracture Type; Spondylometaphyseal dysplasia, 'corner fracture' type. Identifiers: Orphanet 93315, MedGen C0432221, MONDO:0008479, OMIM 184255.

Submissions (2):

MVZ Medizinische Genetik Mainz
Classification: Uncertain significance for Spondylometaphyseal dysplasia - Sutcliffe type. Last evaluated: 2024-04-10. Review status: criteria provided, single submitter. Criteria: UK Practice Guidelines For Variant Classification V4 01 2020. Collection method: clinical testing. Allele origin: germline. Inheritance: Autosomal dominant inheritance. Affected: yes. Observed: 1 variant allele.
Comment: ACMG Criteria: PP3_STR,PM2_SUP

MVZ Martinsried, Medicover Genetics
Classification: Likely pathogenic for Glomerulopathy with fibronectin deposits 2. Last evaluated: 2024-02-15. Review status: criteria provided, single submitter. Criteria: ACGS Guidelines, 2020. Collection method: clinical testing. Allele origin: unknown. Affected: yes.

NM_212482.4(FN1):c.2627A>G (p.Tyr876Cys)

Gene: FN1 (fibronectin 1; minus strand). Cytogenetic location: 2q35.
Variant type: single nucleotide variant.
Coding change: c.2627A>G on transcript NM_212482.4 (MANE Select); coding-DNA position 2627, A replaced by G.
Protein change: p.Tyr876Cys; replaces tyrosine 876 with cysteine.
Molecular consequence: missense variant.
Genome position (GRCh38, 1-based): chr2:215,407,213, T>C on the plus strand (A>G on the coding strand, the complement: FN1 is on the minus strand). VCF-style: chr2-215407213-T-C. GRCh37 (hg19) VCF-style: chr2-216271936-T-C.
Other names: c.2627A>G, p.Tyr876Cys (NM_001306129.2, NM_001306130.2, NM_001306131.2 and 13 more transcripts); short protein forms Y876C.
Identifiers: ClinVar variation 3256673 (VCV003256673.2).